The following is an entry in ClinVar:

ClinVar aggregate classification (germline): Likely benign. Review status: criteria provided, multiple submitters, no conflicts (2 of 4 stars). 2 submissions from 2 submitters: Likely benign (2). Last evaluated 2026-01-06.

Conditions:
POLD1-related polyposis and colorectal cancer syndrome (CRCS10). Also called: Colorectal cancer, susceptibility to, 10; Colorectal cancer 10; COLORECTAL CANCER, SUSCEPTIBILITY TO, ON CHROMOSOME 19q. Identifiers: Orphanet 220460, MedGen C2675481, MONDO:0012953, OMIM 612591.

Allele frequency attached by ClinVar (database versions not stated): gnomAD 0.00001; TOPMed 0.00001; gnomAD exomes 0.00004; ExAC 0.00006.

Submissions (2):

Labcorp Genetics (formerly Invitae), Labcorp
Classification: Likely benign for POLD1-related polyposis and colorectal cancer syndrome. Last evaluated: 2026-01-06. Review status: criteria provided, single submitter. Criteria: Invitae Variant Classification Sherloc (09022015). Collection method: clinical testing. Allele origin: germline.

GeneDx
Classification: Likely benign. Last evaluated: 2016-10-19. Review status: criteria provided, single submitter. Criteria: GeneDx Variant Classification (06012015). Collection method: clinical testing. Allele origin: germline. Affected: yes.
Comment: This variant is considered likely benign or benign based on one or more of the following criteria: it is a conservative change, it occurs at a poorly conserved position in the protein, it is predicted to be benign by multiple in silico algorithms, and/or has population frequency not consistent with disease.

NM_002691.4(POLD1):c.970+11G>A

Gene: POLD1 (DNA polymerase delta 1, catalytic subunit; plus strand). Cytogenetic location: 19q13.33.
Variant type: single nucleotide variant.
Coding change: c.970+11G>A on transcript NM_002691.4 (MANE Select); 11 bases into the intron after coding-DNA position 970, G replaced by A.
Molecular consequence: intron variant.
Genome position (GRCh38, 1-based): chr19:50,402,752, G>A. VCF-style: chr19-50402752-G-A. GRCh37 (hg19) VCF-style: chr19-50906009-G-A.
Other names: c.970+11G>A (LRG_785t1, LRG_785t2, NM_001256849.1 and 1 more transcripts).
Identifiers: ClinVar variation 390272 (VCV000390272.6), dbSNP rs756668199, ClinGen allele CA9595972.